The following is an entry in ClinVar:

ClinVar aggregate classification (germline): Likely pathogenic (1 of 4 stars; one submission).

Conditions:
Dilated cardiomyopathy 1G (CMD1G). Identifiers: Orphanet 154, MedGen C1858763, MONDO:0011400, OMIM 604145.
Autosomal recessive limb-girdle muscular dystrophy type 2J (LGMDR10). Also called: MUSCULAR DYSTROPHY, LIMB-GIRDLE, AUTOSOMAL RECESSIVE 10; Limb-girdle muscular dystrophy, type 2J. Identifiers: Orphanet 140922, MedGen C1837342, MONDO:0012127, OMIM 608807.

Submission:

Labcorp Genetics (formerly Invitae), Labcorp
Classification: Likely pathogenic for Dilated cardiomyopathy 1G; Autosomal recessive limb-girdle muscular dystrophy type 2J. Last evaluated: 2023-01-01. Review status: criteria provided, single submitter. Criteria: Invitae Variant Classification Sherloc (09022015). Collection method: clinical testing. Allele origin: germline.
Comment: This variant is located in the A band of TTN (PMID: 25589632). Truncating variants in this region are significantly overrepresented in patients affected with dilated cardiomyopathy (PMID: 25589632). Truncating variants in this region have also been reported in individuals affected with autosomal recessive centronuclear myopathy (PMID: 23975875). In summary, the currently available evidence indicates that the variant is pathogenic, but additional data are needed to prove that conclusively. Therefore, this variant has been classified as Likely Pathogenic. This sequence change affects a donor splice site in intron 260 of the TTN gene. It is expected to disrupt RNA splicing and likely results in a truncated or disrupted TTN protein. Algorithms developed to predict the effect of sequence changes on RNA splicing suggest that this variant may disrupt the consensus splice site. This variant has not been reported in the literature in individuals affected with TTN-related conditions. This variant is not present in population databases (gnomAD no frequency).

Literature cited by the submitters: PubMed 25589632; PubMed 23975875.

NM_001267550.2(TTN):c.48760+1G>C

Genes: TTN-AS1 (TTN antisense RNA 1; plus strand), TTN (titin; minus strand), LOC126806426 (BRD4-independent group 4 enhancer GRCh37_chr2:179478848-179480047; plus strand). Cytogenetic location: 2q31.2.
Variant type: single nucleotide variant.
Coding change: c.48760+1G>C on transcript NM_001267550.2 (MANE Select); the canonical splice donor site of the intron after coding-DNA position 48760, G replaced by C.
Molecular consequence: splice donor variant.
Genome position (GRCh38, 1-based): chr2:178,614,846, C>G on the plus strand (G>C on the coding strand, the complement: TTN is on the minus strand). VCF-style: chr2-178614846-C-G. GRCh37 (hg19) VCF-style: chr2-179479573-C-G.
Other names: c.21565+1G>C (NM_003319.4); c.22141+1G>C (NM_133437.4); c.21940+1G>C (NM_133432.3); c.41056+1G>C (NM_133378.4); c.43837+1G>C (NM_001256850.1).
Identifiers: ClinVar variation 2942876 (VCV002942876.3), dbSNP rs1474000709, ClinGen allele CA349608128.